The following is an entry in ClinVar:

NM_006206.6(PDGFRA):c.80T>G (p.Leu27Ter)

Gene: PDGFRA (platelet derived growth factor receptor alpha; plus strand). Cytogenetic location: 4q12.
Variant type: single nucleotide variant.
Coding change: c.80T>G on transcript NM_006206.6 (MANE Select); coding-DNA position 80, T replaced by G.
Protein change: p.Leu27Ter; replaces leucine 27 with a stop codon.
Molecular consequence: nonsense.
Genome position (GRCh38, 1-based): chr4:54,261,125, T>G. VCF-style: chr4-54261125-T-G. GRCh37 (hg19) VCF-style: chr4-55127292-T-G.
Other names: c.80T>G, p.Leu27Ter (NM_001347827.2, NM_001347829.2); c.155T>G, p.Leu52Ter (NM_001347828.2); c.119T>G, p.Leu40Ter (NM_001347830.2); short protein forms L27*, L52*, L40*.
Identifiers: ClinVar variation 4843864 (VCV004843864.1).

ClinVar aggregate classification (germline): Uncertain significance (1 of 4 stars; one submission).

Conditions:
Hereditary cancer-predisposing syndrome. Also called: Neoplastic Syndromes, Hereditary; Tumor predisposition; Hereditary Cancer Syndrome; Hereditary neoplastic syndrome. Identifiers: Orphanet 140162, MedGen C0027672, MeSH D009386, MONDO:0015356.

Submission:

Ambry Genetics
Classification: Uncertain significance for Hereditary cancer-predisposing syndrome. Last evaluated: 2026-01-14. Review status: criteria provided, single submitter. Criteria: Ambry Variant Classification Scheme 2023. Collection method: clinical testing. Allele origin: germline.
Comment: The p.L27* variant (also known as c.80T>G), located in coding exon 2 of the PDGFRA gene, results from a T to G substitution at nucleotide position 80. This changes the amino acid from a leucine to a stop codon within coding exon 2. This alteration is expected to result in protein truncation or nonsense-mediated mRNA decay. However, loss of function has not been established as a mechanism of disease. Based on the available evidence, the clinical significance of this alteration remains unclear.